The following is an entry in ClinVar:

NM_001080453.3(INTS1):c.1138-4G>A

Gene: INTS1 (integrator complex subunit 1; minus strand). Cytogenetic location: 7p22.3.
Variant type: single nucleotide variant.
Coding change: c.1138-4G>A on transcript NM_001080453.3 (MANE Select); 4 bases into the intron before coding-DNA position 1138, G replaced by A.
Molecular consequence: intron variant.
Genome position (GRCh38, 1-based): chr7:1,498,856, C>T on the plus strand (G>A on the coding strand, the complement: INTS1 is on the minus strand). VCF-style: chr7-1498856-C-T. GRCh37 (hg19) VCF-style: chr7-1538492-C-T.
Identifiers: ClinVar variation 3048057 (VCV003048057.2), dbSNP rs200181300, ClinGen allele CA4120442.

ClinVar aggregate classification (germline): Likely benign (0 of 4 stars; one submission).

Conditions:
INTS1-related disorder. Also called: INTS1-related condition.

Allele frequency attached by ClinVar (database versions not stated): 1000 Genomes Project 0.00020; 1000 Genomes Project 30x 0.00031; ESP Exome Variant Server 0.00039; gnomAD 0.00057.
gnomAD v4.1: 1,206 of 1,598,710 alleles (0.075%); highest among the groups gnomAD compares: Non-Finnish European, 0.082%; 1 homozygote.

Submission:

PreventionGenetics, part of Exact Sciences
Classification: Likely benign for INTS1-related condition. Last evaluated: 2019-03-29. Review status: no assertion criteria provided. Collection method: clinical testing. Allele origin: germline.
Comment: This variant is classified as likely benign based on ACMG/AMP sequence variant interpretation guidelines (Richards et al. 2015 PMID: 25741868, with internal and published modifications).